The following is an entry in ClinVar:

NM_207361.6(FREM2):c.*5562C>G

Gene: FREM2 (FRAS1 related extracellular matrix 2; plus strand). Cytogenetic location: 13q13.3.
Variant type: single nucleotide variant.
Coding change: c.*5562C>G on transcript NM_207361.6 (MANE Select); 5562 bases downstream of the stop codon, C replaced by G.
Molecular consequence: 3 prime UTR variant.
Genome position (GRCh38, 1-based): chr13:38,886,349, C>G. VCF-style: chr13-38886349-C-G. GRCh37 (hg19) VCF-style: chr13-39460486-C-G.
Identifiers: ClinVar variation 312104 (VCV000312104.5), dbSNP rs1945507, ClinGen allele CA10634353.

ClinVar aggregate classification (germline): Benign (1 of 4 stars; one submission).

Conditions:
Fraser syndrome 2 (FRASRS2). Identifiers: MedGen C4540036, MONDO:0054738, OMIM 617666.

Allele frequency attached by ClinVar (database versions not stated): 1000 Genomes Project 0.43411; TOPMed 0.46033; gnomAD 0.46889.

Submission:

Illumina Laboratory Services, Illumina
Classification: Benign for Fraser syndrome 2. Last evaluated: 2018-01-12. Review status: criteria provided, single submitter. Criteria: ICSL Variant Classification Criteria 13 December 2019. Collection method: clinical testing. Allele origin: germline.
Comment: This variant was observed in the ICSL laboratory as part of a predisposition screen in an ostensibly healthy population. It had not been previously curated by ICSL or reported in the Human Gene Mutation Database (HGMD: prior to June 1st, 2018), and was therefore a candidate for classification through an automated scoring system. Utilizing variant allele frequency, disease prevalence and penetrance estimates, and inheritance mode, an automated score was calculated to assess if this variant is too frequent to cause the disease. Based on the score and internal cut-off values, a variant classified as benign is not then subjected to further curation. The score for this variant resulted in a classification of benign for this disease.